The following is an entry in ClinVar:

ClinVar aggregate classification (germline): Uncertain significance. Review status: criteria provided, multiple submitters, no conflicts (2 of 4 stars). 2 submissions from 2 submitters: Uncertain significance (2). Last evaluated 2025-01-29.

Allele frequency attached by ClinVar (database versions not stated): gnomAD 0.00001; gnomAD exomes 0.00002; ESP Exome Variant Server 0.00008; TOPMed below 0.00001.
gnomAD v4.1: 28 of 1,613,474 alleles (0.0017%); highest among the groups gnomAD compares: Middle Eastern, 0.016%; no homozygotes.

Submissions (2):

Mayo Clinic Laboratories, Mayo Clinic
Classification: Uncertain significance. Last evaluated: 2025-01-29. Review status: criteria provided, single submitter. Criteria: ACMG Guidelines, 2015. Collection method: clinical testing. Allele origin: germline. Observed: 1 variant allele.
Comment: BP4_moderate

Revvity Omics, Revvity
Classification: Uncertain significance. Last evaluated: 2021-02-10. Review status: criteria provided, single submitter. Criteria: ACMG Guidelines, 2015. Collection method: clinical testing. Allele origin: germline.

NM_001267550.2(TTN):c.30629C>G (p.Pro10210Arg)

Gene: TTN (titin; minus strand). Cytogenetic location: 2q31.2.
Variant type: single nucleotide variant.
Coding change: c.30629C>G on transcript NM_001267550.2 (MANE Select); coding-DNA position 30629, C replaced by G.
Protein change: p.Pro10210Arg; replaces proline 10210 with arginine.
Molecular consequence: missense variant. On other transcripts: intron variant (3).
Genome position (GRCh38, 1-based): chr2:178,701,173, G>C on the plus strand (C>G on the coding strand, the complement: TTN is on the minus strand). VCF-style: chr2-178701173-G-C. GRCh37 (hg19) VCF-style: chr2-179565900-G-C.
Other names: p.Pro9893Arg; c.29678C>G, p.Pro9893Arg (NM_001256850.1); c.26897C>G, p.Pro8966Arg (NM_133378.4); c.13282+36909C>G (NM_003319.4); c.13858+36909C>G (NM_133437.4); c.13657+36909C>G (NM_133432.3); short protein forms P10210R, P8966R, P9893R.
Identifiers: ClinVar variation 2437899 (VCV002437899.4), dbSNP rs368306416, ClinGen allele CA1999082.
Genomic context (GRCh38, chr2:178,701,173, plus strand): 5'-ATAATACCTTCAATACGTTTTGGTGGTGGTTTCTTTTCTTCGGGTGTTGGTAGCAAAAGG[G>C]GGATAGGAGGAGCAACCACAGGAGGGATTTCTGAAGAAAATAAATGCCGTTAGTAACATG-3'
Protein context (NP_001254479.2, residues 10200-10220): EIPPVVAPPI[Pro10210Arg]LLLPTPEEKK